The following is an entry in ClinVar:

NM_002471.4(MYH6):c.1771A>G (p.Ile591Val)

Gene: MYH6 (myosin heavy chain 6; minus strand). Cytogenetic location: 14q11.2.
Variant type: single nucleotide variant.
Coding change: c.1771A>G on transcript NM_002471.4 (MANE Select); coding-DNA position 1771, A replaced by G.
Protein change: p.Ile591Val; replaces isoleucine 591 with valine.
Molecular consequence: missense variant.
Genome position (GRCh38, 1-based): chr14:23,398,848, T>C on the plus strand (A>G on the coding strand, the complement: MYH6 is on the minus strand). VCF-style: chr14-23398848-T-C. GRCh37 (hg19) VCF-style: chr14-23868057-T-C.
Other names: short protein forms I591V.
Identifiers: ClinVar variation 537969 (VCV000537969.11), dbSNP rs1402004251, ClinGen allele CA389020180.

ClinVar aggregate classification (germline): Uncertain significance. Review status: criteria provided, multiple submitters, no conflicts (2 of 4 stars). 3 submissions from 3 submitters: Uncertain significance (3). Last evaluated 2025-02-12.

Conditions:
Cardiovascular phenotype. Identifiers: MedGen CN230736.
Hypertrophic cardiomyopathy 14. Identifiers: MedGen C2750467, MONDO:0013197, OMIM 613251.

Allele frequency attached by ClinVar (database versions not stated): gnomAD exomes below 0.00001 and 0.00001; TOPMed below 0.00001; gnomAD 0.00001.
gnomAD v4.1: 5 of 1,613,994 alleles (0.00031%); highest among the groups gnomAD compares: Non-Finnish European, 0.00042%; no homozygotes.

Submissions (3):

GeneDx
Classification: Uncertain significance. Last evaluated: 2025-02-12. Review status: criteria provided, single submitter. Criteria: GeneDx Variant Classification Process June 2021. Collection method: clinical testing. Allele origin: germline. Affected: yes.
Comment: Not observed at significant frequency in large population cohorts (gnomAD); In silico analysis indicates that this missense variant does not alter protein structure/function; Has not been previously published as pathogenic or benign to our knowledge

Labcorp Genetics (formerly Invitae), Labcorp
Classification: Uncertain significance for Hypertrophic cardiomyopathy 14. Last evaluated: 2024-10-18. Review status: criteria provided, single submitter. Criteria: Invitae Variant Classification Sherloc (09022015). Collection method: clinical testing. Allele origin: germline.
Comment: This sequence change replaces isoleucine, which is neutral and non-polar, with valine, which is neutral and non-polar, at codon 591 of the MYH6 protein (p.Ile591Val). This variant is present in population databases (no rsID available, gnomAD 0.0009%). This variant has not been reported in the literature in individuals affected with MYH6-related conditions. ClinVar contains an entry for this variant (Variation ID: 537969). Invitae Evidence Modeling of protein sequence and biophysical properties (such as structural, functional, and spatial information, amino acid conservation, physicochemical variation, residue mobility, and thermodynamic stability) has been performed for this missense variant. However, the output from this modeling did not meet the statistical confidence thresholds required to predict the impact of this variant on MYH6 protein function. In summary, the available evidence is currently insufficient to determine the role of this variant in disease. Therefore, it has been classified as a Variant of Uncertain Significance.

Ambry Genetics
Classification: Uncertain significance for Cardiovascular phenotype. Last evaluated: 2022-09-05. Review status: criteria provided, single submitter. Criteria: Ambry Variant Classification Scheme 2023. Collection method: clinical testing. Allele origin: germline.
Comment: The p.I591V variant (also known as c.1771A>G), located in coding exon 13 of the MYH6 gene, results from an A to G substitution at nucleotide position 1771. The isoleucine at codon 591 is replaced by valine, an amino acid with highly similar properties. This amino acid position is conserved. In addition, the in silico prediction for this alteration is inconclusive. Since supporting evidence is limited at this time, the clinical significance of this alteration remains unclear.